The following is an entry in ClinVar:

ClinVar aggregate classification (germline): Conflicting classifications of pathogenicity. Review status: criteria provided, conflicting classifications (1 of 4 stars). 3 submissions from 3 submitters: Likely pathogenic (2); Uncertain significance (1). Last evaluated 2026-08-06.

Conditions:
Sialidosis type 2. Also called: CHERRY RED SPOT--MYOCLONUS SYNDROME; NEU DEFICIENCY; NEUG DEFICIENCY; NEURAMINIDASE 1 DEFICIENCY; SIALIDASE DEFICIENCY; SIALIDOSIS, TYPE II. Identifiers: Orphanet 812, Orphanet 87876, MedGen C4282398, MONDO:0009738, OMIM 256550.

Allele frequency attached by ClinVar (database versions not stated): TOPMed 0.00001.

Submissions (3):

OLLIN Analises Genomicas, OLLIN
Classification: Likely pathogenic for Sialidosis type 2. Last evaluated: 2026-08-06. Review status: criteria provided, single submitter. Criteria: ACMG Guidelines 2015 PMID 25741868. Collection method: clinical testing. Allele origin: germline. Inheritance: Autosomal recessive inheritance.
Comment: This variant is absent from gnomAD and has not been identified in the literature. However, it has been reported in ClinVar (accession VCV000942528.10). Another pathogenic variant has been reported to result in the same amino acid substitution. According to the currently available evidence, this variant has been classified as likely pathogenic (PS1_M, PM2_P, PM3, PP3).

Women's Health and Genetics/Laboratory Corporation of America, LabCorp
Classification: Uncertain significance. Last evaluated: 2025-12-19. Review status: criteria provided, single submitter. Criteria: LabCorp Variant Classification Summary - May 2015. Collection method: clinical testing. Allele origin: germline.
Comment: Variant summary: NEU1 c.352+3A>G alters a conserved nucleotide located close to a canonical splice site and therefore could affect mRNA splicing, leading to a significantly altered protein sequence. Several computational tools predict a significant impact on normal splicing: Two predict the variant abolishes a 5' splicing donor site. However, these predictions have yet to be confirmed by functional studies. The variant was absent in 246246 control chromosomes. The available data on variant occurrences in the general population are insufficient to allow any conclusion about variant significance. c.352+3A>G has been observed in at least one individual affected with Sialidosis (internal data). These data do not allow any conclusion about variant significance. To our knowledge, no experimental evidence demonstrating an impact on protein function has been reported. ClinVar contains an entry for this variant (Variation ID: 942528). Based on the evidence outlined above, the variant was classified as uncertain significance.

Labcorp Genetics (formerly Invitae), Labcorp
Classification: Likely pathogenic. Last evaluated: 2025-08-15. Review status: criteria provided, single submitter. Criteria: Invitae Variant Classification Sherloc (09022015). Collection method: clinical testing. Allele origin: germline.
Comment: This sequence change falls in intron 2 of the NEU1 gene. It does not directly change the encoded amino acid sequence of the NEU1 protein. It affects a nucleotide within the consensus splice site. This variant is not present in population databases (gnomAD no frequency). This variant has been observed in individual(s) with sialidosis (internal data). In at least one individual the data is consistent with being in trans (on the opposite chromosome) from a pathogenic variant. ClinVar contains an entry for this variant (Variation ID: 942528). Variants that disrupt the consensus splice site are a relatively common cause of aberrant splicing (PMID: 17576681, 9536098). Algorithms developed to predict the effect of sequence changes on RNA splicing suggest that this variant may disrupt the consensus splice site. In summary, the currently available evidence indicates that the variant is pathogenic, but additional data are needed to prove that conclusively. Therefore, this variant has been classified as Likely Pathogenic.

Literature cited by the submitters: PubMed 17576681 (cited by Labcorp Genetics (formerly Invitae), Labcorp); PubMed 9536098 (cited by Labcorp Genetics (formerly Invitae), Labcorp).

NM_000434.4(NEU1):c.352+3A>G

Gene: NEU1 (neuraminidase 1; minus strand). Cytogenetic location: 6p21.33.
Variant type: single nucleotide variant.
Coding change: c.352+3A>G on transcript NM_000434.4 (MANE Select); 3 bases into the intron after coding-DNA position 352, A replaced by G.
Molecular consequence: intron variant.
Genome position (GRCh38, 1-based): chr6:31,861,996, T>C on the plus strand (A>G on the coding strand, the complement: NEU1 is on the minus strand). VCF-style: chr6-31861996-T-C. GRCh37 (hg19) VCF-style: chr6-31829773-T-C.
Identifiers: ClinVar variation 942528 (VCV000942528.11), dbSNP rs1236387839, ClinGen allele CA823920954.